The following is an entry in ClinVar:

NM_024753.5(TTC21B):c.3890C>G (p.Pro1297Arg)

Gene: TTC21B (tetratricopeptide repeat domain 21B; minus strand). Cytogenetic location: 2q24.3.
Variant type: single nucleotide variant.
Coding change: c.3890C>G on transcript NM_024753.5 (MANE Select); coding-DNA position 3890, C replaced by G.
Protein change: p.Pro1297Arg; replaces proline 1297 with arginine.
Molecular consequence: missense variant.
Genome position (GRCh38, 1-based): chr2:165,874,816, G>C on the plus strand (C>G on the coding strand, the complement: TTC21B is on the minus strand). VCF-style: chr2-165874816-G-C. GRCh37 (hg19) VCF-style: chr2-166731326-G-C.
Other names: short protein forms P1297R.
Identifiers: ClinVar variation 5000626 (VCV005000626.1).

ClinVar aggregate classification (germline): Uncertain significance (1 of 4 stars; one submission).

Conditions:
TTC21B-related disorder. Also called: TTC21B-related disorders; TTC21B-related condition.

Submission:

PreventionGenetics, part of Exact Sciences
Classification: Uncertain significance for TTC21B-related condition. Last evaluated: 2025-07-07. Review status: criteria provided, single submitter. Criteria: ACMG Guidelines, 2015. Collection method: clinical testing. Allele origin: germline.
Comment: The TTC21B c.3890C>G variant is predicted to result in the amino acid substitution p.Pro1297Arg. To our knowledge, this variant has not been reported in the literature or in a large population database (gnomAD), indicating this variant is rare. At this time, the clinical significance of this variant is uncertain due to the absence of conclusive functional and genetic evidence.